The following is an entry in ClinVar:

ClinVar aggregate classification (germline): Benign/Likely benign. Review status: criteria provided, multiple submitters, no conflicts (2 of 4 stars). 5 submissions from 5 submitters: Benign (3); Likely benign (2). Last evaluated 2026-02-01.

Allele frequency attached by ClinVar (database versions not stated): 1000 Genomes Project 30x 0.00062; gnomAD 0.00104 and 0.00109; TOPMed 0.00107; gnomAD exomes 0.00115 and 0.00261; ExAC 0.00323.

Submissions (5):

CeGaT Center for Human Genetics Tuebingen
Classification: Likely benign. Last evaluated: 2026-02-01. Review status: criteria provided, single submitter. Criteria: CeGaT Center For Human Genetics Tuebingen Variant Classification Criteria Version 2. Collection method: clinical testing. Allele origin: germline. Affected: yes. Observed: 1 variant allele.
Comment: CDT1: BP4, BP7

Labcorp Genetics (formerly Invitae), Labcorp
Classification: Benign. Last evaluated: 2026-02-01. Review status: criteria provided, single submitter. Criteria: Invitae Variant Classification Sherloc (09022015). Collection method: clinical testing. Allele origin: germline.

Blueprint Genetics
Classification: Likely benign. Last evaluated: 2024-11-26. Review status: criteria provided, single submitter. Criteria: ACMG Guidelines, 2015. Collection method: clinical testing. Allele origin: germline.

Genetic Services Laboratory, University of Chicago
Classification: Benign. Last evaluated: 2016-08-12. Review status: criteria provided, single submitter. Criteria: ACMG Guidelines, 2015. Collection method: clinical testing. Allele origin: germline. Affected: no.

Breakthrough Genomics
Classification: Benign. Review status: criteria provided, single submitter. Criteria: ACMG Guidelines, 2015. Collection method: not provided. Allele origin: germline. Inheritance: Autosomal recessive inheritance. Affected: yes.

NM_030928.4(CDT1):c.111C>T (p.Leu37=)

Genes: CDT1 (chromatin licensing and DNA replication factor 1; plus strand), LOC130059759 (ATAC-STARR-seq lymphoblastoid silent region 7878; plus strand). Cytogenetic location: 16q24.3.
Variant type: single nucleotide variant.
Coding change: c.111C>T on transcript NM_030928.4 (MANE Select); coding-DNA position 111, C replaced by T.
Protein change: p.Leu37=; no amino-acid change (leucine 37 retained).
Molecular consequence: synonymous variant.
Genome position (GRCh38, 1-based): chr16:88,803,942, C>T. VCF-style: chr16-88803942-C-T. GRCh37 (hg19) VCF-style: chr16-88870350-C-T.
Identifiers: ClinVar variation 128660 (VCV000128660.22), dbSNP rs587780304, ClinGen allele CA230988.
Genomic context (GRCh38, chr16:88,803,942, plus strand): 5'-CCCCCGCATCGCGCCGCCCAAGCTGGCCTGCCGCACCCCCAGCCCCGCCAGGCCCGCACT[C>T]CGCGCCCCGGCCTCCGCTACCAGTGGCAGCCGCAAGCGCGCCCGCCCGCCCGCCGCCCCC-3'
Protein context (NP_112190.2, residues 27-47): CRTPSPARPA[Leu37=]RAPASATSGS